The following is an entry in ClinVar:

ClinVar aggregate classification (germline): Uncertain significance (1 of 4 stars; one submission).

gnomAD v4.1: 40 of 1,614,062 alleles (0.0025%); highest among the groups gnomAD compares: Non-Finnish European, 0.0031%; no homozygotes.

Submission:

GeneDx
Classification: Uncertain significance. Last evaluated: 2024-06-02. Review status: criteria provided, single submitter. Criteria: GeneDx Variant Classification Process June 2021. Collection method: clinical testing. Allele origin: germline. Affected: yes.
Comment: Not observed at significant frequency in large population cohorts (gnomAD); In silico analysis supports that this missense variant has a deleterious effect on protein structure/function; Has not been previously published as pathogenic or benign to our knowledge

NM_001004127.3(ALG11):c.305C>T (p.Thr102Ile)

Gene: ALG11 (ALG11 alpha-1,2-mannosyltransferase; plus strand). Cytogenetic location: 13q14.3.
Variant type: single nucleotide variant.
Coding change: c.305C>T on transcript NM_001004127.3 (MANE Select); coding-DNA position 305, C replaced by T.
Protein change: p.Thr102Ile; replaces threonine 102 with isoleucine.
Molecular consequence: missense variant.
Genome position (GRCh38, 1-based): chr13:52,024,035, C>T. VCF-style: chr13-52024035-C-T. GRCh37 (hg19) VCF-style: chr13-52598171-C-T.
Other names: short protein forms T102I.
Identifiers: ClinVar variation 3383835 (VCV003383835.1).